The following is an entry in ClinVar:

NM_002335.4(LRP5):c.1393G>A (p.Ala465Thr)

Gene: LRP5 (LDL receptor related protein 5; plus strand). Cytogenetic location: 11q13.2.
Variant type: single nucleotide variant.
Coding change: c.1393G>A on transcript NM_002335.4 (MANE Select); coding-DNA position 1393, G replaced by A.
Protein change: p.Ala465Thr; replaces alanine 465 with threonine.
Molecular consequence: missense variant. On other transcripts: 5 prime UTR variant (1).
Genome position (GRCh38, 1-based): chr11:68,386,693, G>A. VCF-style: chr11-68386693-G-A. GRCh37 (hg19) VCF-style: chr11-68154161-G-A.
Other names: c.-373G>A (NM_001291902.2); short protein forms A465T.
Identifiers: ClinVar variation 1416286 (VCV001416286.12), dbSNP rs755886863, ClinGen allele CA6149317.

ClinVar aggregate classification (germline): Uncertain significance. Review status: criteria provided, multiple submitters, no conflicts (2 of 4 stars). 5 submissions from 5 submitters: Uncertain significance (5). Last evaluated 2026-05-14.

Conditions:
Osteogenesis imperfecta (OI). Identifiers: Orphanet 666, MedGen C0029434, MeSH D010013, MONDO:0019019.
LRP5-related disorder. Also called: LRP5-related condition.
Autosomal dominant osteopetrosis 1 (OPTA1). Also called: OSTEOPETROSIS, AUTOSOMAL DOMINANT, TYPE I. Identifiers: Orphanet 2783, MedGen C1843330, MONDO:0011877, OMIM 607634.

Allele frequency attached by ClinVar (database versions not stated): gnomAD 0.00001; gnomAD exomes 0.00002 and 0.00004; ExAC 0.00004.
gnomAD v4.1: 25 of 1,613,096 alleles (0.0015%); highest among the groups gnomAD compares: East Asian, 0.0022%; no homozygotes.

Submissions (5):

PreventionGenetics, part of Exact Sciences
Classification: Uncertain significance for LRP5-related condition. Last evaluated: 2026-05-14. Review status: criteria provided, single submitter. Criteria: ACMG Guidelines, 2015. Collection method: clinical testing. Allele origin: germline.
Comment: The LRP5 c.1393G>A variant is predicted to result in the amino acid substitution p.Ala465Thr. This variant has been reported in the heterozygous state in individuals with osteoporosis or familial exudative vitreoretinopathy (FEVR) (Rouleau et al. 2022. PubMed ID: 35252483; Table 2, Chen et al. 2022. PubMed ID: 36018796; Supplemental data, Mancini et al. 2024. PubMed ID: 39316135). This variant is reported in 0.0079% of alleles in individuals of European (Non-Finnish) descent in gnomAD. At this time, the clinical significance of this variant is uncertain due to the absence of conclusive functional and genetic evidence.

Labcorp Genetics (formerly Invitae), Labcorp
Classification: Uncertain significance. Last evaluated: 2025-10-04. Review status: criteria provided, single submitter. Criteria: Invitae Variant Classification Sherloc (09022015). Collection method: clinical testing. Allele origin: germline.
Comment: This sequence change replaces alanine, which is neutral and non-polar, with threonine, which is neutral and polar, at codon 465 of the LRP5 protein (p.Ala465Thr). This variant is present in population databases (rs755886863, gnomAD 0.008%). This missense change has been observed in individual(s) with exudative vitreoretinopathy and/or idiopathic primary osteoporosis (PMID: 35252483, 36018796). ClinVar contains an entry for this variant (Variation ID: 1416286). Invitae Evidence Modeling of protein sequence and biophysical properties (such as structural, functional, and spatial information, amino acid conservation, physicochemical variation, residue mobility, and thermodynamic stability) has been performed for this missense variant. However, the output from this modeling did not meet the statistical confidence thresholds required to predict the impact of this variant on LRP5 protein function. In summary, the available evidence is currently insufficient to determine the role of this variant in disease. Therefore, it has been classified as a Variant of Uncertain Significance.

Blueprint Genetics
Classification: Uncertain significance. Last evaluated: 2024-11-25. Review status: criteria provided, single submitter. Criteria: ACMG Guidelines, 2015. Collection method: clinical testing. Allele origin: germline.

Victorian Clinical Genetics Services, Murdoch Childrens Research Institute
Classification: Uncertain significance for Autosomal dominant osteopetrosis 1. Last evaluated: 2020-06-11. Review status: criteria provided, single submitter. Criteria: ACMG Guidelines, 2015. Collection method: clinical testing. Allele origin: germline. Affected: yes.
Comment: Based on the classification scheme VCGS_Germline_v1.1.1, this variant is classified as VUS-3C. Following criteria are met: 0103 - Both loss- and gain-of-function are known mechanisms of disease for this gene. Loss-of-function variants are associated with osteoporosis-pseudoglioma syndrome and familial exudative vitroretinopathy (PMID:11719191, PMID:15024691). Gain-of-function variants are associated with osteopetrosis (PMID: 12579474). (N) 0108 - This gene is known to be associated with both recessive and dominant disease. Osteoporosis-pseudoglioma syndrome demonstrates a recessive inheritance pattern (PMID:11719191). Familial exudative vitroretinopathy and osteopetrosis are dominantly inherited (PMID:15024691 PMID: 12579474). (N) 0200 - Variant is predicted to result in a missense amino acid change from alanine to threonine (exon 6). (N) 0251 - Variant is heterozygous. (N) 0302 - Variant is present in gnomAD <0.001 for a dominant condition (11 Het, 0 Hom). (P) 0502 - Missense variant with conflicting in-silico predictions and/or uninformative conservation. (N) 0600 - Variant is located in an annotated domain or motif (Beta-propeller 2 region; UniProt) (N) 0705 - No comparable variants have previous evidence for pathogenicity. (N) 0807 - Variant has not previously been reported in a clinical context. (N) 0905 - No segregation evidence has been identified for this variant. (N) 1007 - No published functional evidence has been identified for this variant. (N) 1208 - Segregation information for this variant is not currently available. (N) Legend: (P) - Pathogenic, (N) - Neutral, (B) - Benign

Genome Diagnostics Laboratory, The Hospital for Sick Children
Classification: Uncertain significance for Osteogenesis imperfecta. Last evaluated: 2019-12-01. Review status: criteria provided, single submitter. Criteria: ACMG Guidelines, 2015. Collection method: clinical testing. Allele origin: germline.

Literature cited by the submitters: PubMed 35252483 (cited by Labcorp Genetics (formerly Invitae), Labcorp); PubMed 36018796 (cited by Labcorp Genetics (formerly Invitae), Labcorp); PubMed 11719191 (cited by Victorian Clinical Genetics Services, Murdoch Childrens Research Institute); PubMed 12579474 (cited by Victorian Clinical Genetics Services, Murdoch Childrens Research Institute); PubMed 15024691 (cited by Victorian Clinical Genetics Services, Murdoch Childrens Research Institute).